The following is an entry in ClinVar:

NM_001143989.3(NBPF4):c.1870G>A (p.Ala624Thr)

Gene: NBPF4 (NBPF member 4). Cytogenetic location: 1p13.3.
Variant type: single nucleotide variant.
Coding change: c.1870G>A on transcript NM_001143989.3 (MANE Select); coding-DNA position 1870, G replaced by A.
Protein change: p.Ala624Thr; replaces alanine 624 with threonine.
Molecular consequence: missense variant.
Genome position (GRCh38, 1-based): chr1:108,226,684, C>T on the plus strand (G>A on the coding strand, the complement: NBPF4 is on the minus strand). VCF-style: chr1-108226684-C-T. GRCh37 (hg19) VCF-style: chr1-108769306-C-T.
Other names: c.1870G>A (NM_001143989.2); short protein forms A624T.
Identifiers: ClinVar variation 2638962 (VCV002638962.26), dbSNP rs758219588, ClinGen allele CA979503.

ClinVar aggregate classification (germline): Conflicting classifications of pathogenicity. Review status: criteria provided, conflicting classifications (1 of 4 stars). 2 submissions from 2 submitters: Uncertain significance (1); Likely benign (1). Last evaluated 2024-05-30.

Allele frequency attached by ClinVar (database versions not stated): ExAC 0.00006; TOPMed 0.00014; gnomAD 0.00020.
gnomAD v4.1: 253 of 1,341,730 alleles (0.019%); highest among the groups gnomAD compares: Middle Eastern, 0.31%; 52 homozygotes.

Submissions (2):

Ambry Genetics
Classification: Uncertain significance. Last evaluated: 2024-05-30. Review status: criteria provided, single submitter. Criteria: Ambry Variant Classification Scheme 2023. Collection method: clinical testing. Allele origin: germline.

CeGaT Center for Human Genetics Tuebingen
Classification: Likely benign. Last evaluated: 2022-12-01. Review status: criteria provided, single submitter. Criteria: CeGaT Center For Human Genetics Tuebingen Variant Classification Criteria Version 2. Collection method: clinical testing. Allele origin: germline. Affected: yes. Observed: 1 variant allele.
Comment: NBPF4: BP4, BS2